The following is an entry in ClinVar:

NM_024996.7(GFM1):c.515_516del (p.Phe172fs)

Gene: GFM1 (G elongation factor mitochondrial 1; plus strand). Cytogenetic location: 3q25.32.
Variant type: Deletion.
Coding change: c.515_516del on transcript NM_024996.7 (MANE Select); coding-DNA positions 515 to 516, 2 bases deleted (TT; older notation c.515_516delTT).
Protein change: p.Phe172fs; shifts the reading frame from phenylalanine 172.
Molecular consequence: frameshift variant. On other transcripts: non-coding transcript variant (3), intron variant (4).
Genome position (GRCh38, 1-based): chr3:158,646,890-158,646,891, TT deleted; deleting any 2 consecutive bases within chr3:158,646,888-158,646,891 gives the same sequence; the c. name uses the placement nearest the transcript's 3' end. VCF-style (leftmost placement, unchanged base first): chr3-158646887-CTT-C. GRCh37 (hg19) VCF-style: chr3-158364676-CTT-C.
Other names: c.515_516del, p.Phe172fs (NM_001308164.2, NM_001308166.2, NM_001374355.1 and 1 more transcripts); c.290_291del, p.Phe97fs (NM_001374357.1); c.5+1109_5+1110del (NM_001374359.1, NM_001374360.1, NM_001374361.1); c.234+1109_234+1110del (NM_001374358.1); short protein forms F172fs, F97fs.
Identifiers: ClinVar variation 4816187 (VCV004816187.2).

ClinVar aggregate classification (germline): Likely pathogenic (1 of 4 stars; one submission).

Conditions:
Hepatoencephalopathy due to combined oxidative phosphorylation defect type 1. Also called: HEPATOENCEPHALOPATHY, EARLY FATAL PROGRESSIVE. Identifiers: Orphanet 137681, MedGen C1836797, MONDO:0012191, OMIM 609060.

Submission:

Natera, Inc.
Classification: Likely pathogenic for Combined oxidative phosphorylation deficiency 1. Last evaluated: 2024-06-26. Review status: criteria provided, single submitter. Criteria: Natera Variant Classification Schema (03/2026). Collection method: clinical testing. Allele origin: germline.
Comment: The c.515_516del variant in GFM1 is a frameshift variant predicted to shift the reading frame beginning at codon 172 and leads to a stop codon 2 codons downstream. This variant is expected to result in nonsense mediated decay, truncation, or a dysfunctional protein product. This variant is rare in the general population with a frequency below the threshold expected for the associated phenotype(s). Given the available evidence, this variant is classified as Likely Pathogenic.